The following is an entry in ClinVar:

ClinVar aggregate classification (germline): Benign/Likely benign. Review status: criteria provided, multiple submitters, no conflicts (2 of 4 stars). 4 submissions from 4 submitters: Benign (2); Likely benign (2). Last evaluated 2026-02-02.

Allele frequency attached by ClinVar (database versions not stated): ExAC 0.00012; gnomAD exomes 0.00012; 1000 Genomes Project 30x 0.00016; 1000 Genomes Project 0.00020; gnomAD 0.00039 and 0.00041; TOPMed 0.00042; ESP Exome Variant Server 0.00049.
gnomAD v4.1: 105 of 1,613,986 alleles (0.0065%); highest among the groups gnomAD compares: African/African-American, 0.14%; no homozygotes.

Submissions (4):

Labcorp Genetics (formerly Invitae), Labcorp
Classification: Benign. Last evaluated: 2026-02-02. Review status: criteria provided, single submitter. Criteria: Invitae Variant Classification Sherloc (09022015). Collection method: clinical testing. Allele origin: germline.

Ambry Genetics
Classification: Likely benign. Last evaluated: 2022-04-04. Review status: criteria provided, single submitter. Criteria: Ambry Variant Classification Scheme 2023. Collection method: clinical testing. Allele origin: germline.

Women's Health and Genetics/Laboratory Corporation of America, LabCorp
Classification: Benign. Last evaluated: 2019-10-21. Review status: criteria provided, single submitter. Criteria: LabCorp Variant Classification Summary - May 2015. Collection method: clinical testing. Allele origin: germline.

GeneDx
Classification: Likely benign. Last evaluated: 2018-02-15. Review status: criteria provided, single submitter. Criteria: GeneDx Variant Classification (06012015). Collection method: clinical testing. Allele origin: germline. Affected: yes.
Comment: This variant is considered likely benign or benign based on one or more of the following criteria: it is a conservative change, it occurs at a poorly conserved position in the protein, it is predicted to be benign by multiple in silico algorithms, and/or has population frequency not consistent with disease.

NM_144670.6(A2ML1):c.3003G>A (p.Arg1001=)

Gene: A2ML1 (alpha-2-macroglobulin like 1; plus strand). Cytogenetic location: 12p13.31.
Variant type: single nucleotide variant.
Coding change: c.3003G>A on transcript NM_144670.6 (MANE Select); coding-DNA position 3003, G replaced by A.
Protein change: p.Arg1001=; no amino-acid change (arginine 1001 retained).
Molecular consequence: synonymous variant.
Genome position (GRCh38, 1-based): chr12:8,857,318, G>A. VCF-style: chr12-8857318-G-A. GRCh37 (hg19) VCF-style: chr12-9009914-G-A.
Other names: c.1530G>A, p.Arg510= (NM_001282424.3).
Identifiers: ClinVar variation 515641 (VCV000515641.15), dbSNP rs200269317, ClinGen allele CA6436218.